The following is an entry in ClinVar:

NM_025243.4(SLC19A3):c.106A>G (p.Ile36Val)

Gene: SLC19A3 (solute carrier family 19 member 3; minus strand). Cytogenetic location: 2q36.3.
Variant type: single nucleotide variant.
Coding change: c.106A>G on transcript NM_025243.4 (MANE Select); coding-DNA position 106, A replaced by G.
Protein change: p.Ile36Val; replaces isoleucine 36 with valine.
Molecular consequence: missense variant.
Genome position (GRCh38, 1-based): chr2:227,702,213, T>C on the plus strand (A>G on the coding strand, the complement: SLC19A3 is on the minus strand). VCF-style: chr2-227702213-T-C. GRCh37 (hg19) VCF-style: chr2-228566929-T-C.
Other names: short protein forms I36V.
Identifiers: ClinVar variation 595321 (VCV000595321.18), dbSNP rs372637185, ClinGen allele CA2149408.
Genomic context (GRCh38, chr2:227,702,213, plus strand): 5'-ATGTATGTTAACTTACCTCTGCACTGGTCAGGTTTTTATCTGGTCCAGATAAATATGGGA[T>C]AAGGAATGGTTCTGAGGGTCTCATCATGGAGAAAAAACCAAATAAGCAGAGGATCACAGT-3'
Protein context (NP_079519.1, residues 26-46): SMMRPSEPFL[Ile36Val]PYLSGPDKNL

ClinVar aggregate classification (germline): Conflicting classifications of pathogenicity. Review status: criteria provided, conflicting classifications (1 of 4 stars). 3 submissions from 3 submitters: Uncertain significance (2); Likely benign (1). Last evaluated 2026-01-06.

Conditions:
Biotin-responsive basal ganglia disease (BTBGD). Also called: THIAMINE METABOLISM DYSFUNCTION SYNDROME 2 (BIOTIN- AND THIAMINE-RESPONSIVE TYPE); Thiamine metabolism dysfunction syndrome 2 (biotin- or thiamine-responsive encephalopathy type 2); thiamine-responsive encephalopathy; Thiamine metabolism dysfunction syndrome type 2; Thiamine Transporter-2 Deficiency. Identifiers: Orphanet 199348, Orphanet 65284, MedGen C1843807, MONDO:0011841, OMIM 607483.

Allele frequency attached by ClinVar (database versions not stated): gnomAD exomes 0.00001 and 0.00004; ExAC 0.00004; ESP Exome Variant Server 0.00008; gnomAD 0.00017 and 0.00019; TOPMed 0.00019.
gnomAD v4.1: 42 of 1,613,640 alleles (0.0026%); highest among the groups gnomAD compares: African/African-American, 0.051%; no homozygotes.

Submissions (3):

Labcorp Genetics (formerly Invitae), Labcorp
Classification: Likely benign for Biotin-responsive basal ganglia disease. Last evaluated: 2026-01-06. Review status: criteria provided, single submitter. Criteria: Invitae Variant Classification Sherloc (09022015). Collection method: clinical testing. Allele origin: germline.

GeneDx
Classification: Uncertain significance. Last evaluated: 2023-08-04. Review status: criteria provided, single submitter. Criteria: GeneDx Variant Classification Process June 2021. Collection method: clinical testing. Allele origin: germline. Affected: yes.
Comment: In silico analysis supports that this missense variant does not alter protein structure/function; Has not been previously published as pathogenic or benign to our knowledge

Eurofins Ntd Llc (ga)
Classification: Uncertain significance. Last evaluated: 2017-12-22. Review status: criteria provided, single submitter. Criteria: EGL Classification Definitions 2015. Collection method: clinical testing. Allele origin: germline. Observed: 1 variant allele, 1 heterozygote.